The following is an entry in ClinVar:

ClinVar aggregate classification (germline): Uncertain significance (1 of 4 stars; one submission).

Allele frequency attached by ClinVar (database versions not stated): TOPMed below 0.00001; gnomAD 0.00001.
gnomAD v4.1: 6 of 1,614,014 alleles (0.00037%); highest among the groups gnomAD compares: African/African-American, 0.0013%; no homozygotes.

Submission:

Labcorp Genetics (formerly Invitae), Labcorp
Classification: Uncertain significance. Last evaluated: 2023-04-10. Review status: criteria provided, single submitter. Criteria: Invitae Variant Classification Sherloc (09022015). Collection method: clinical testing. Allele origin: germline.
Comment: In summary, the available evidence is currently insufficient to determine the role of this variant in disease. Therefore, it has been classified as a Variant of Uncertain Significance. Algorithms developed to predict the effect of missense changes on protein structure and function output the following: SIFT: "Not Available"; PolyPhen-2: "Benign"; Align-GVGD: "Not Available". The cysteine amino acid residue is found in multiple mammalian species, which suggests that this missense change does not adversely affect protein function. This variant has not been reported in the literature in individuals affected with KIF14-related conditions. This variant is not present in population databases (gnomAD no frequency). This sequence change replaces tyrosine, which is neutral and polar, with cysteine, which is neutral and slightly polar, at codon 1597 of the KIF14 protein (p.Tyr1597Cys).

NM_014875.3(KIF14):c.4790A>G (p.Tyr1597Cys)

Gene: KIF14 (kinesin family member 14; minus strand). Cytogenetic location: 1q32.1.
Variant type: single nucleotide variant.
Coding change: c.4790A>G on transcript NM_014875.3 (MANE Select); coding-DNA position 4790, A replaced by G.
Protein change: p.Tyr1597Cys; replaces tyrosine 1597 with cysteine.
Molecular consequence: missense variant.
Genome position (GRCh38, 1-based): chr1:200,553,545, T>C on the plus strand (A>G on the coding strand, the complement: KIF14 is on the minus strand). VCF-style: chr1-200553545-T-C. GRCh37 (hg19) VCF-style: chr1-200522673-T-C.
Other names: c.3317A>G, p.Tyr1106Cys (NM_001305792.1); short protein forms Y1106C, Y1597C.
Identifiers: ClinVar variation 3006607 (VCV003006607.3), dbSNP rs1656666220, ClinGen allele CA344107580.
Genomic context (GRCh38, chr1:200,553,545, plus strand): 5'-TTACTGCCGTCAATCCCGCTTGATTTAGATTGTTGGTGTTCTTCTTTGGTATTTTGATTA[T>C]AAGTTTCCCAGGGTTTCAACAAATCAGGGCTTTCTTCAGATTCAAAACAAAAGAGGAGAG-3'
Protein context (NP_055690.1, residues 1587-1607): SPDLLKPWET[Tyr1597Cys]NQNTKEEHQQ